The following is an entry in ClinVar:

ClinVar aggregate classification (germline): Uncertain significance (1 of 4 stars; one submission).

Submission:

Labcorp Genetics (formerly Invitae), Labcorp
Classification: Uncertain significance. Last evaluated: 2022-08-26. Review status: criteria provided, single submitter. Criteria: Invitae Variant Classification Sherloc (09022015). Collection method: clinical testing. Allele origin: germline.
Comment: In summary, the available evidence is currently insufficient to determine the role of this variant in disease. Therefore, it has been classified as a Variant of Uncertain Significance. Experimental studies and prediction algorithms are not available or were not evaluated, and the functional significance of this variant is currently unknown. This variant has not been reported in the literature in individuals affected with POLA1-related conditions. This variant results in a copy number gain of the genomic region encompassing exon(s) 1-26 of the POLA1 gene. This region includes the initiator codon of the gene. This copy number gain extends beyond the assayed region for this gene and therefore may encompass additional genes. As the precise location of this event is unknown, it may be in tandem or it may be located elsewhere in the genome.

NC_000023.10:g.(?_24512839)_(24767129_?)dup

Genes: PCYT1B (phosphate cytidylyltransferase 1B, choline; minus strand), PDK3 (pyruvate dehydrogenase kinase 3; plus strand), POLA1 (DNA polymerase alpha 1, catalytic subunit; plus strand). Cytogenetic location: Xp22.11.
Variant type: Duplication.
Identifiers: ClinVar variation 2426316 (VCV002426316.4).